The following is an entry in ClinVar:

ClinVar aggregate classification (germline): Uncertain significance. Review status: criteria provided, multiple submitters, no conflicts (2 of 4 stars). 2 submissions from 2 submitters: Uncertain significance (2). Last evaluated 2025-12-27.

Conditions:
Inborn genetic diseases. Identifiers: MedGen C0950123, MeSH D030342.

Submissions (2):

Labcorp Genetics (formerly Invitae), Labcorp
Classification: Uncertain significance. Last evaluated: 2025-12-27. Review status: criteria provided, single submitter. Criteria: Invitae Variant Classification Sherloc (09022015). Collection method: clinical testing. Allele origin: germline.
Comment: This sequence change replaces proline, which is neutral and non-polar, with threonine, which is neutral and polar, at codon 176 of the FOCAD protein (p.Pro176Thr). This variant is not present in population databases (gnomAD no frequency). This variant has not been reported in the literature in individuals affected with FOCAD-related conditions. ClinVar contains an entry for this variant (Variation ID: 2621890). Experimental studies and prediction algorithms are not available or were not evaluated, and the functional significance of this variant is currently unknown. In summary, the available evidence is currently insufficient to determine the role of this variant in disease. Therefore, it has been classified as a Variant of Uncertain Significance.

Ambry Genetics
Classification: Uncertain significance for Inborn genetic diseases. Last evaluated: 2023-08-28. Review status: criteria provided, single submitter. Criteria: Ambry Variant Classification Scheme 2023. Collection method: clinical testing. Allele origin: germline.

NM_001375567.1(FOCAD):c.526C>A (p.Pro176Thr)

Gene: FOCAD (focadhesin; plus strand). Cytogenetic location: 9p21.3.
Variant type: single nucleotide variant.
Coding change: c.526C>A on transcript NM_001375567.1 (MANE Select); coding-DNA position 526, C replaced by A.
Protein change: p.Pro176Thr; replaces proline 176 with threonine.
Molecular consequence: missense variant.
Genome position (GRCh38, 1-based): chr9:20,764,900, C>A. VCF-style: chr9-20764900-C-A. GRCh37 (hg19) VCF-style: chr9-20764899-C-A.
Other names: c.526C>A, p.Pro176Thr (NM_001375568.1, NM_017794.5); c.421C>A, p.Pro141Thr (NM_001375570.1); short protein forms P176T, P141T.
Identifiers: ClinVar variation 2621890 (VCV002621890.3), dbSNP rs2489783092, ClinGen allele CA373049107.